The following is an entry in ClinVar:

ClinVar aggregate classification (germline): Likely benign. Review status: criteria provided, multiple submitters, no conflicts (2 of 4 stars). 2 submissions from 2 submitters: Likely benign (2). Last evaluated 2026-01-31.

Conditions:
Severe combined immunodeficiency due to DNA-PKcs deficiency. Also called: IMMUNODEFICIENCY 26 WITH NEUROLOGIC ABNORMALITIES; Immunodeficiency 26 with or without neurologic abnormalities. Identifiers: Orphanet 317425, MedGen C4014833, MONDO:0014423, OMIM 615966.

Allele frequency attached by ClinVar (database versions not stated): 1000 Genomes Project 30x 0.00047; 1000 Genomes Project 0.00060; TOPMed 0.00063; gnomAD exomes 0.00069 and 0.00108; gnomAD 0.00071 and 0.00072; ExAC 0.00080; ESP Exome Variant Server 0.00097.
gnomAD v4.1: 1,729 of 1,613,038 alleles (0.11%); highest among the groups gnomAD compares: Middle Eastern, 0.2%; 1 homozygote.

Submissions (2):

Labcorp Genetics (formerly Invitae), Labcorp
Classification: Likely benign for Severe combined immunodeficiency due to DNA-PKcs deficiency. Last evaluated: 2026-01-31. Review status: criteria provided, single submitter. Criteria: Invitae Variant Classification Sherloc (09022015). Collection method: clinical testing. Allele origin: germline.

CeGaT Center for Human Genetics Tuebingen
Classification: Likely benign. Last evaluated: 2022-04-01. Review status: criteria provided, single submitter. Criteria: CeGaT Center For Human Genetics Tuebingen Variant Classification Criteria Version 2. Collection method: clinical testing. Allele origin: germline. Affected: yes. Observed: 1 variant allele.
Comment: PRKDC: BP4, BP7

NM_006904.7(PRKDC):c.6342A>G (p.Glu2114=)

Gene: PRKDC (protein kinase, DNA-activated, catalytic subunit; minus strand). Cytogenetic location: 8q11.21.
Variant type: single nucleotide variant.
Coding change: c.6342A>G on transcript NM_006904.7 (MANE Select); coding-DNA position 6342, A replaced by G.
Protein change: p.Glu2114=; no amino-acid change (glutamic acid 2114 retained).
Molecular consequence: synonymous variant.
Genome position (GRCh38, 1-based): chr8:47,858,852, T>C on the plus strand (A>G on the coding strand, the complement: PRKDC is on the minus strand). VCF-style: chr8-47858852-T-C. GRCh37 (hg19) VCF-style: chr8-48771413-T-C.
Other names: c.6342A>G, p.Glu2114= (NM_001081640.2).
Identifiers: ClinVar variation 542034 (VCV000542034.35), dbSNP rs201300612, ClinGen allele CA4740382.